The following is an entry in ClinVar:

NM_000283.4(PDE6B):c.1957C>T (p.His653Tyr)

Gene: PDE6B (phosphodiesterase 6B; plus strand). Cytogenetic location: 4p16.3.
Variant type: single nucleotide variant.
Coding change: c.1957C>T on transcript NM_000283.4 (MANE Select); coding-DNA position 1957, C replaced by T.
Protein change: p.His653Tyr; replaces histidine 653 with tyrosine.
Molecular consequence: missense variant.
Genome position (GRCh38, 1-based): chr4:663,806, C>T. VCF-style: chr4-663806-C-T. GRCh37 (hg19) VCF-style: chr4-657595-C-T.
Other names: c.1957C>T, p.His653Tyr (NM_001145291.2); c.1120C>T, p.His374Tyr (NM_001145292.2, NM_001350154.3, NM_001379246.1 and 1 more transcripts); c.802C>T, p.His268Tyr (NM_001350155.3); short protein forms H268Y, H374Y, H653Y.
Identifiers: ClinVar variation 1513415 (VCV001513415.6), dbSNP rs2109262633, ClinGen allele CA355918300.
Genomic context (GRCh38, chr4:663,806, plus strand): 5'-ACGCGCTGGGCATAACCTCCGCAGACCCTGAACATCTACCAGAACCTGAACCGGCGGCAG[C>T]ACGAGCACGTGATCCACCTGATGGACATCGCCATCATCGCCACGGACCTGGCCCTGTACT-3'
Protein context (NP_000274.3, residues 643-663): NIYQNLNRRQ[His653Tyr]EHVIHLMDIA

ClinVar aggregate classification (germline): Uncertain significance (1 of 4 stars; one submission).

Submission:

Labcorp Genetics (formerly Invitae), Labcorp
Classification: Uncertain significance. Last evaluated: 2022-09-13. Review status: criteria provided, single submitter. Criteria: Invitae Variant Classification Sherloc (09022015). Collection method: clinical testing. Allele origin: germline.
Comment: This sequence change replaces histidine, which is basic and polar, with tyrosine, which is neutral and polar, at codon 653 of the PDE6B protein (p.His653Tyr). This variant is not present in population databases (gnomAD no frequency). This variant has not been reported in the literature in individuals affected with PDE6B-related conditions. ClinVar contains an entry for this variant (Variation ID: 1513415). Advanced modeling of protein sequence and biophysical properties (such as structural, functional, and spatial information, amino acid conservation, physicochemical variation, residue mobility, and thermodynamic stability) performed at Invitae indicates that this missense variant is not expected to disrupt PDE6B protein function. Algorithms developed to predict the effect of sequence changes on RNA splicing suggest that this variant may create or strengthen a splice site. In summary, the available evidence is currently insufficient to determine the role of this variant in disease. Therefore, it has been classified as a Variant of Uncertain Significance.